The following is an entry in ClinVar:

ClinVar aggregate classification (germline): Uncertain significance (1 of 4 stars; one submission).

Conditions:
2-aminoadipic 2-oxoadipic aciduria (AAKAD). Also called: Aminoadipic aciduria; ALPHA-AMINOADIPIC AND ALPHA-KETOADIPIC ACIDURIA. Identifiers: Orphanet 79154, MedGen C1859817, MONDO:0008774, OMIM 204750.

Submission:

Labcorp Genetics (formerly Invitae), Labcorp
Classification: Uncertain significance for 2-aminoadipic 2-oxoadipic aciduria. Last evaluated: 2023-09-08. Review status: criteria provided, single submitter. Criteria: Invitae Variant Classification Sherloc (09022015). Collection method: clinical testing. Allele origin: unknown.
Comment: This variant results in a copy number gain of the genomic region encompassing exon(s) 2-6 of the DHTKD1 gene. While the exact position of this variant cannot be determined from the data, sub-genic copy number gains are generally in tandem (PMID: 25640679). This variant is predicted to be in-frame, and likely preserves the integrity of the reading frame. This variant has not been reported in the literature in individuals affected with DHTKD1-related conditions. In summary, the available evidence is currently insufficient to determine the role of this variant in disease. Therefore, it has been classified as a Variant of Uncertain Significance.

Literature cited by the submitters: PubMed 25640679.

NC_000010.10:g.(?_12123451)_(12133703_?)dup

Gene: DHTKD1 (dehydrogenase E1 and transketolase domain containing 1; plus strand). Cytogenetic location: 10p14.
Variant type: Duplication.
Identifiers: ClinVar variation 3244859 (VCV003244859.1).